The following is an entry in ClinVar:

NM_001734.5(C1S):c.1283C>G (p.Pro428Arg)

Gene: C1S (complement C1s; plus strand). Cytogenetic location: 12p13.31.
Variant type: single nucleotide variant.
Coding change: c.1283C>G on transcript NM_001734.5 (MANE Select); coding-DNA position 1283, C replaced by G.
Protein change: p.Pro428Arg; replaces proline 428 with arginine.
Molecular consequence: missense variant.
Genome position (GRCh38, 1-based): chr12:7,069,867, C>G. VCF-style: chr12-7069867-C-G. GRCh37 (hg19) VCF-style: chr12-7177171-C-G.
Other names: c.782C>G, p.Pro261Arg (NM_001346850.2); c.1283C>G, p.Pro428Arg (NM_201442.4); short protein forms P261R, P428R.
Identifiers: ClinVar variation 2069872 (VCV002069872.7), dbSNP rs149869489, ClinGen allele CA6423760.

ClinVar aggregate classification (germline): Conflicting classifications of pathogenicity. Review status: criteria provided, conflicting classifications (1 of 4 stars). 4 submissions from 4 submitters: Uncertain significance (1); Likely benign (3). Last evaluated 2026-04-07.

Allele frequency attached by ClinVar (database versions not stated): ESP Exome Variant Server 0.00008; ExAC 0.00039.
gnomAD v4.1: 291 of 1,613,578 alleles (0.018%); highest among the groups gnomAD compares: Non-Finnish European, 0.0071%; 1 homozygote.

Submissions (4):

Women's Health and Genetics/Laboratory Corporation of America, LabCorp
Classification: Likely benign. Last evaluated: 2026-04-07. Review status: criteria provided, single submitter. Criteria: LabCorp Variant Classification Summary - May 2015. Collection method: clinical testing. Allele origin: germline.
Comment: Variant summary: C1S c.1283C>G (p.Pro428Arg) results in a non-conservative amino acid change in the encoded protein sequence. Algorithms developed to predict the effect of missense changes on protein structure and function are either unavailable or do not agree on the potential impact of this missense change. The variant allele was found at a frequency of 0.00038 in 251092 control chromosomes, predominantly at a frequency of 0.003 within the Finnish subpopulation in the gnomAD database. The observed variant frequency within Finnish control individuals in the gnomAD database exceeds the estimated maximal expected allele frequency for disease-causing variants in C1S. To our knowledge, no occurrence of c.1283C>G in individuals affected with C1S-related conditions and no experimental evidence demonstrating its impact on protein function have been reported. ClinVar contains an entry for this variant (Variation ID: 2069872). Based on the evidence outlined above, the variant was classified as likely benign.

Labcorp Genetics (formerly Invitae), Labcorp
Classification: Likely benign. Last evaluated: 2025-12-23. Review status: criteria provided, single submitter. Criteria: Invitae Variant Classification Sherloc (09022015). Collection method: clinical testing. Allele origin: germline.

Laboratory of Genetics, Children's Clinical University Hospital Latvia
Classification: Likely benign. Last evaluated: 2025-02-16. Review status: criteria provided, single submitter. Criteria: ACMG Guidelines, 2015. Collection method: clinical testing. Allele origin: germline. Affected: yes.

Blueprint Genetics
Classification: Uncertain significance. Last evaluated: 2024-11-27. Review status: criteria provided, single submitter. Criteria: ACMG Guidelines, 2015. Collection method: clinical testing. Allele origin: germline.